The following is an entry in ClinVar:

NM_177438.3(DICER1):c.*3185G>T

Gene: DICER1 (dicer 1, ribonuclease III; minus strand). Cytogenetic location: 14q32.13.
Variant type: single nucleotide variant.
Coding change: c.*3185G>T on transcript NM_177438.3 (MANE Select); 3185 bases downstream of the stop codon, G replaced by T.
Molecular consequence: 3 prime UTR variant.
Genome position (GRCh38, 1-based): chr14:95,087,313, C>A on the plus strand (G>T on the coding strand, the complement: DICER1 is on the minus strand). VCF-style: chr14-95087313-C-A. GRCh37 (hg19) VCF-style: chr14-95553650-C-A.
Other names: c.*3301G>T (NM_001195573.1); c.*3185G>T (NM_001271282.3, NM_001291628.2, NM_030621.4).
Identifiers: ClinVar variation 315055 (VCV000315055.6), dbSNP rs189898328, ClinGen allele CA10635602.

ClinVar aggregate classification (germline): Benign (1 of 4 stars; one submission).

Conditions:
DICER1-related tumor predisposition. Also called: DICER1-related pleuropulmonary blastoma cancer predisposition syndrome; DICER1 syndrome. Identifiers: Orphanet 284343, MedGen C3839822, MONDO:0100216.

Allele frequency attached by ClinVar (database versions not stated): 1000 Genomes Project 0.00120; 1000 Genomes Project 30x 0.00125; TOPMed 0.00209; gnomAD 0.00212 and 0.00217; gnomAD exomes 0.00310.
gnomAD v4.1: 575 of 233,186 alleles (0.25%); highest among the groups gnomAD compares: Non-Finnish European, 0.42%; 3 homozygotes.

Submission:

Illumina Laboratory Services, Illumina
Classification: Benign for Pleuropulmonary blastoma. Last evaluated: 2018-01-13. Review status: criteria provided, single submitter. Criteria: ICSL Variant Classification Criteria 13 December 2019. Collection method: clinical testing. Allele origin: germline.
Comment: This variant was observed in the ICSL laboratory as part of a predisposition screen in an ostensibly healthy population. It had not been previously curated by ICSL or reported in the Human Gene Mutation Database (HGMD: prior to June 1st, 2018), and was therefore a candidate for classification through an automated scoring system. Utilizing variant allele frequency, disease prevalence and penetrance estimates, and inheritance mode, an automated score was calculated to assess if this variant is too frequent to cause the disease. Based on the score and internal cut-off values, a variant classified as benign is not then subjected to further curation. The score for this variant resulted in a classification of benign for this disease.